The following is an entry in ClinVar:

NM_014991.6(WDFY3):c.6328G>A (p.Val2110Ile)

Gene: WDFY3 (WD repeat and FYVE domain containing 3; minus strand). Cytogenetic location: 4q21.23.
Variant type: single nucleotide variant.
Coding change: c.6328G>A on transcript NM_014991.6 (MANE Select); coding-DNA position 6328, G replaced by A.
Protein change: p.Val2110Ile; replaces valine 2110 with isoleucine.
Molecular consequence: missense variant.
Genome position (GRCh38, 1-based): chr4:84,740,323, C>T on the plus strand (G>A on the coding strand, the complement: WDFY3 is on the minus strand). VCF-style: chr4-84740323-C-T. GRCh37 (hg19) VCF-style: chr4-85661476-C-T.
Other names: short protein forms V2110I.
Identifiers: ClinVar variation 2210085 (VCV002210085.3), dbSNP rs775918953, ClinGen allele CA2992866.

ClinVar aggregate classification (germline): Likely benign. Review status: criteria provided, multiple submitters, no conflicts (2 of 4 stars). 2 submissions from 2 submitters: Likely benign (2). Last evaluated 2026-10-01.

Conditions:
Inborn genetic diseases. Identifiers: MedGen C0950123, MeSH D030342.

gnomAD v4.1: 115 of 1,613,884 alleles (0.0071%); highest among the groups gnomAD compares: East Asian, 0.22%; 2 homozygotes.

Submissions (2):

CeGaT Center for Human Genetics Tuebingen
Classification: Likely benign. Last evaluated: 2026-10-01. Review status: criteria provided, single submitter. Criteria: CeGaT Center For Human Genetics Tuebingen Variant Classification Criteria Version 2. Collection method: clinical testing. Allele origin: germline. Affected: yes. Observed: 1 variant allele.
Comment: WDFY3: BS2

Ambry Genetics
Classification: Likely benign for Inborn genetic diseases. Last evaluated: 2022-02-10. Review status: criteria provided, single submitter. Criteria: Ambry Variant Classification Scheme 2023. Collection method: clinical testing. Allele origin: germline.